The following is an entry in ClinVar:

NM_004526.4(MCM2):c.2348G>A (p.Arg783Gln)

Genes: MCM2 (minichromosome maintenance complex component 2; plus strand), LOC107986126 (uncharacterized LOC107986126; minus strand). Cytogenetic location: 3q21.3.
Variant type: single nucleotide variant.
Coding change: c.2348G>A on transcript NM_004526.4 (MANE Select); coding-DNA position 2348, G replaced by A.
Protein change: p.Arg783Gln; replaces arginine 783 with glutamine.
Molecular consequence: missense variant. On other transcripts: non-coding transcript variant (1).
Genome position (GRCh38, 1-based): chr3:127,620,780, G>A. VCF-style: chr3-127620780-G-A. GRCh37 (hg19) VCF-style: chr3-127339623-G-A.
Other names: c.2348G>A (NM_004526.3, NM_004526.2); short protein forms R783Q.
Identifiers: ClinVar variation 2903372 (VCV002903372.5), dbSNP rs543054543, ClinGen allele CA2596203.

ClinVar aggregate classification (germline): Conflicting classifications of pathogenicity. Review status: criteria provided, conflicting classifications (1 of 4 stars). 3 submissions from 3 submitters: Uncertain significance (1); Likely benign (2). Last evaluated 2025-12-18.

Conditions:
MCM2-related disorder. Also called: MCM2-related condition.

Allele frequency attached by ClinVar (database versions not stated): TOPMed 0.00002; gnomAD 0.00005; gnomAD exomes 0.00007; ExAC 0.00017; 1000 Genomes Project 30x 0.00031; 1000 Genomes Project 0.00040.
gnomAD v4.1: 119 of 1,614,122 alleles (0.0074%); highest among the groups gnomAD compares: South Asian, 0.1%; 3 homozygotes.

Submissions (3):

PreventionGenetics, part of Exact Sciences
Classification: Likely benign for MCM2-related condition. Last evaluated: 2025-12-18. Review status: criteria provided, single submitter. Criteria: ACMG Guidelines, 2015. Collection method: clinical testing. Allele origin: germline.
Comment: This variant is classified as likely benign based on ACMG/AMP sequence variant interpretation guidelines (Richards et al. 2015 PMID: 25741868, with internal and published modifications).

Labcorp Genetics (formerly Invitae), Labcorp
Classification: Likely benign. Last evaluated: 2025-05-06. Review status: criteria provided, single submitter. Criteria: Invitae Variant Classification Sherloc (09022015). Collection method: clinical testing. Allele origin: germline.

Ambry Genetics
Classification: Uncertain significance. Last evaluated: 2021-08-12. Review status: criteria provided, single submitter. Criteria: Ambry Variant Classification Scheme 2023. Collection method: clinical testing. Allele origin: germline.